The following is an entry in ClinVar:

NM_001267550.2(TTN):c.80486T>C (p.Ile26829Thr)

Genes: TTN (titin; minus strand), TTN-AS1 (TTN antisense RNA 1; plus strand). Cytogenetic location: 2q31.2.
Variant type: single nucleotide variant.
Coding change: c.80486T>C on transcript NM_001267550.2 (MANE Select); coding-DNA position 80486, T replaced by C.
Protein change: p.Ile26829Thr; replaces isoleucine 26829 with threonine.
Molecular consequence: missense variant.
Genome position (GRCh38, 1-based): chr2:178,565,646, A>G on the plus strand (T>C on the coding strand, the complement: TTN is on the minus strand). VCF-style: chr2-178565646-A-G. GRCh37 (hg19) VCF-style: chr2-179430373-A-G.
Other names: c.53291T>C, p.Ile17764Thr (NM_003319.4); c.72782T>C, p.Ile24261Thr (NM_133378.4); c.53666T>C, p.Ile17889Thr (NM_133432.3); c.53867T>C, p.Ile17956Thr (NM_133437.4); c.75563T>C, p.Ile25188Thr (NM_001256850.1); c.80486T>C (NM_001267550.1); short protein forms I17764T, I17889T, I17956T, I24261T, I25188T, I26829T.
Identifiers: ClinVar variation 1313395 (VCV001313395.7), dbSNP rs1705511518, ClinGen allele CA349588590.

ClinVar aggregate classification (germline): Uncertain significance. Review status: criteria provided, multiple submitters, no conflicts (2 of 4 stars). 2 submissions from 2 submitters: Uncertain significance (2). Last evaluated 2026-08-01.

Allele frequency attached by ClinVar (database versions not stated): TOPMed below 0.00001; gnomAD 0.00001; gnomAD exomes 0.00001.
gnomAD v4.1: 9 of 1,613,426 alleles (0.00056%); highest among the groups gnomAD compares: Admixed American, 0.0017%; no homozygotes.

Submissions (2):

CeGaT Center for Human Genetics Tuebingen
Classification: Uncertain significance. Last evaluated: 2026-08-01. Review status: criteria provided, single submitter. Criteria: CeGaT Center For Human Genetics Tuebingen Variant Classification Criteria Version 2. Collection method: clinical testing. Allele origin: germline. Affected: yes. Observed: 2 variant alleles.
Comment: TTN: PM2, BP4

GeneDx
Classification: Uncertain significance. Last evaluated: 2024-02-28. Review status: criteria provided, single submitter. Criteria: GeneDx Variant Classification Process June 2021. Collection method: clinical testing. Allele origin: germline. Affected: yes.
Comment: Not observed at significant frequency in large population cohorts (gnomAD); Missense variant in a gene in which most reported pathogenic variants are truncating/loss of function; Has not been previously published as pathogenic or benign to our knowledge; Located in the A-band region of TTN in which the majority of loss of function variants have been associated with autosomal dominant titinopathies (PMID: 22335739); This variant is associated with the following publications: (PMID: 22335739)